The following is an entry in ClinVar:

ClinVar aggregate classification (germline): Conflicting classifications of pathogenicity. Review status: criteria provided, conflicting classifications (1 of 4 stars). 7 submissions from 7 submitters: Uncertain significance (4); Likely benign (1). 2 of the submissions do not count toward it. Last evaluated 2024-10-25.

Conditions:
Nephronophthisis. Also called: Juvenile Nephronophthisis. Identifiers: Orphanet 655, MedGen C0687120, MONDO:0019005, HP:0000090.
Meckel-Gruber syndrome. Also called: DYSENCEPHALIA SPLANCHNOCYSTICA; GRUBER SYNDROME; Dysencephalia splachnocystica. Identifiers: Orphanet 564, MedGen C0265215, MONDO:0018921.
Joubert syndrome. Also called: JOUBERT-BOLTSHAUSER SYNDROME; Familial aplasia of the vermis. Identifiers: Orphanet 475, MedGen C5979921, MONDO:0018772.
Leber congenital amaurosis (LCA). Also called: Leber's amaurosis. Identifiers: Orphanet 65, MedGen C0339527, MeSH D057130, MONDO:0018998.
CEP290-related disorder. Also called: CEP290-related condition; CEP290-related disorders. Identifiers: MedGen CN239314.
Joubert syndrome 5 (JBTS5). Identifiers: Orphanet 2318, MedGen C1857780, MONDO:0012432, OMIM 610188.
Meckel syndrome, type 4 (MKS4). Also called: MECKEL-GRUBER SYNDROME, TYPE 4. Identifiers: Orphanet 564, MedGen C1970161, MONDO:0012626, OMIM 611134.
Senior-Loken syndrome 6 (SLSN6). Identifiers: Orphanet 3156, MedGen C1857779, MONDO:0012433, OMIM 610189.
Bardet-Biedl syndrome 14 (BBS14). Identifiers: Orphanet 110, MedGen C2673874, MONDO:0014442, OMIM 615991.
Leber congenital amaurosis 10 (LCA10). Identifiers: Orphanet 65, MedGen C1857821, MONDO:0012723, OMIM 611755.
Inborn genetic diseases. Identifiers: MedGen C0950123, MeSH D030342.

Allele frequency attached by ClinVar (database versions not stated): gnomAD 0.00002 and 0.00005; TOPMed 0.00002; gnomAD exomes 0.00005 and 0.00008; ExAC 0.00011; 1000 Genomes Project 0.00020; 1000 Genomes Project 30x 0.00031.

Submissions (7):

Ambry Genetics
Classification: Uncertain significance for Inborn genetic diseases. Last evaluated: 2024-10-25. Review status: criteria provided, single submitter. Criteria: Ambry Variant Classification Scheme 2023. Collection method: clinical testing. Allele origin: germline.

Blueprint Genetics
Classification: Uncertain significance. Last evaluated: 2024-06-26. Review status: criteria provided, single submitter. Criteria: ACMG Guidelines, 2015. Collection method: clinical testing. Allele origin: germline.

Fulgent Genetics
Classification: Uncertain significance for Joubert syndrome 5; Senior-Loken syndrome 6; Meckel syndrome, type 4; Leber congenital amaurosis 10; Bardet-Biedl syndrome 14. Last evaluated: 2024-04-08. Review status: criteria provided, single submitter. Criteria: ACMG Guidelines, 2015. Collection method: clinical testing. Allele origin: germline.

Labcorp Genetics (formerly Invitae), Labcorp
Classification: Uncertain significance for Joubert syndrome; Meckel-Gruber syndrome; Nephronophthisis. Last evaluated: 2022-09-12. Review status: criteria provided, single submitter. Criteria: Invitae Variant Classification Sherloc (09022015). Collection method: clinical testing. Allele origin: germline.
Comment: This sequence change replaces threonine, which is neutral and polar, with methionine, which is neutral and non-polar, at codon 412 of the CEP290 protein (p.Thr412Met). This variant is present in population databases (rs189280108, gnomAD 0.04%). This variant has not been reported in the literature in individuals affected with CEP290-related conditions. ClinVar contains an entry for this variant (Variation ID: 969468). Advanced modeling of protein sequence and biophysical properties (such as structural, functional, and spatial information, amino acid conservation, physicochemical variation, residue mobility, and thermodynamic stability) performed at Invitae indicates that this missense variant is not expected to disrupt CEP290 protein function. In summary, the available evidence is currently insufficient to determine the role of this variant in disease. Therefore, it has been classified as a Variant of Uncertain Significance.

GeneDx
Classification: Likely benign. Last evaluated: 2018-06-26. Review status: criteria provided, single submitter. Criteria: GeneDx Variant Classification Process June 2021. Collection method: clinical testing. Allele origin: germline. Affected: yes.
Comment: See Variant Classification Assertion Criteria.

PreventionGenetics, part of Exact Sciences
Classification: Uncertain significance for CEP290-related condition. Last evaluated: 2024-06-28. Review status: no assertion criteria provided. Collection method: clinical testing. Allele origin: germline. Not counted in ClinVar's aggregate classification.
Comment: The CEP290 c.1235C>T variant is predicted to result in the amino acid substitution p.Thr412Met. This variant has been reported in the compound heterozygous state in a patient with retinitis pigmentosa (Zhu et al. 2023. PubMed ID: 36493848). This variant is reported in 0.039% of alleles in individuals of South Asian descent in gnomAD. At this time, the clinical significance of this variant is uncertain due to the absence of conclusive functional and genetic evidence.

Natera, Inc.
Classification: Uncertain significance for Leber congenital amaurosis. Last evaluated: 2020-03-03. Review status: no assertion criteria provided. Collection method: clinical testing. Allele origin: germline. Not counted in ClinVar's aggregate classification.

Literature cited by the submitters: PubMed 36493848 (cited by Ambry Genetics).

NM_025114.4(CEP290):c.1235C>T (p.Thr412Met)

Gene: CEP290 (centrosomal protein 290; minus strand). Cytogenetic location: 12q21.32.
Variant type: single nucleotide variant.
Coding change: c.1235C>T on transcript NM_025114.4 (MANE Select); coding-DNA position 1235, C replaced by T.
Protein change: p.Thr412Met; replaces threonine 412 with methionine.
Molecular consequence: missense variant.
Genome position (GRCh38, 1-based): chr12:88,121,121, G>A on the plus strand (C>T on the coding strand, the complement: CEP290 is on the minus strand). VCF-style: chr12-88121121-G-A. GRCh37 (hg19) VCF-style: chr12-88514898-G-A.
Other names: short protein forms T412M.
Identifiers: ClinVar variation 969468 (VCV000969468.11), dbSNP rs189280108, ClinGen allele CA6712594.
Genomic context (GRCh38, chr12:88,121,121, plus strand): 5'-GCCTCAGCCAGTTCAGCTGTTCTCTCAGCCTCTTTAGTTTTCTCTTTTAAAATGTCTAAC[G>A]TTGACTGAATTTTCATATGAGTCTGTTGAGAAAGGGTTGAAGCACCTACAGAGTAAAAAC-3'
Protein context (NP_079390.3, residues 402-422): SQQTHMKIQS[Thr412Met]LDILKEKTKE